The following is an entry in ClinVar:

ClinVar aggregate classification (germline): Pathogenic/Likely pathogenic. Review status: criteria provided, multiple submitters, no conflicts (2 of 4 stars). 3 submissions from 3 submitters: Pathogenic (1); Likely pathogenic (2). Last evaluated 2025-09-10.

Conditions:
RASopathy. Also called: Noonan spectrum disorder; rasopathies. Identifiers: Orphanet 536391, MedGen C5555857, MONDO:0021060.
PTPN11-related disorder. Also called: PTPN11-Related Disorders.
Noonan syndrome 1 (NS1). Also called: TURNER PHENOTYPE WITH NORMAL KARYOTYPE; FEMALE PSEUDO-TURNER SYNDROME; PTPN11-Related Noonan Syndrome. Identifiers: Orphanet 648, MedGen C4551602, MONDO:0008104, OMIM 163950. Disease mechanism: gain of function.

Allele frequency attached by ClinVar (database versions not stated): gnomAD exomes below 0.00001; ExAC 0.00001.
gnomAD v4.1: 2 of 1,613,274 alleles (0.00012%); highest among the groups gnomAD compares: South Asian, 0.0011%; no homozygotes.

Submissions (3):

Labcorp Genetics (formerly Invitae), Labcorp
Classification: Likely pathogenic for RASopathy. Last evaluated: 2025-09-10. Review status: criteria provided, single submitter. Criteria: Invitae Variant Classification Sherloc (09022015). Collection method: clinical testing. Allele origin: germline.
Comment: This sequence change replaces tyrosine, which is neutral and polar, with asparagine, which is neutral and polar, at codon 62 of the PTPN11 protein (p.Tyr62Asn). This variant is present in population databases (rs121918460, gnomAD 0.003%). This missense change has been observed in individual(s) with clinical features of Noonan syndrome (PMID: 16358218). ClinVar contains an entry for this variant (Variation ID: 1485945). Invitae Evidence Modeling of protein sequence and biophysical properties (such as structural, functional, and spatial information, amino acid conservation, physicochemical variation, residue mobility, and thermodynamic stability) has been performed for this missense variant. However, the output from this modeling did not meet the statistical confidence thresholds required to predict the impact of this variant on PTPN11 protein function. This variant disrupts the p.Tyr62 amino acid residue in PTPN11. Other variant(s) that disrupt this residue have been determined to be pathogenic (PMID: 11992261, 12325025, 15240615, 16358218, 17020470, 19020799, 19352411, 26817465). This suggests that this residue is clinically significant, and that variants that disrupt this residue are likely to be disease-causing. In summary, the currently available evidence indicates that the variant is pathogenic, but additional data are needed to prove that conclusively. Therefore, this variant has been classified as Likely Pathogenic.

Blueprint Genetics
Classification: Pathogenic for PTPN11-related disorders. Last evaluated: 2024-06-13. Review status: criteria provided, single submitter. Criteria: ACMG Guidelines, 2015. Collection method: clinical testing. Allele origin: germline. Affected: yes. Observed: 3 variant alleles.

3billion
Classification: Likely pathogenic for Noonan syndrome 1. Last evaluated: 2022-03-22. Review status: criteria provided, single submitter. Criteria: ACMG Guidelines, 2015. Collection method: clinical testing. Allele origin: germline. Affected: yes. Observed: 1 heterozygote.
Comment: A different missense change at the same codon has been reported as pathogenic/likely pathogenic with strong evidence (ClinVar ID: VCV000013329, PMID:11992261,21407260). The variant is located in a mutational hot spot and/or well-established functional domain in which established pathogenic variants have been reported.In silico tool predictions suggest damaging effect of the variant on gene or gene product (REVEL: 0.9>=0.6, 3CNET: 0.998>=0.75). A missense variant is a common mechanism. It is observed at an extremely low frequency in the gnomAD v2.1.1 dataset (total allele frequency: 0.000004). Therefore, this variant is classified as likely pathogenic according to the recommendation of ACMG/AMP guideline.

Literature cited by the submitters: PubMed 16358218 (cited by Labcorp Genetics (formerly Invitae), Labcorp); PubMed 11992261 (cited by Labcorp Genetics (formerly Invitae), Labcorp and 3billion); PubMed 12325025 (cited by Labcorp Genetics (formerly Invitae), Labcorp); PubMed 15240615 (cited by Labcorp Genetics (formerly Invitae), Labcorp); PubMed 17020470 (cited by Labcorp Genetics (formerly Invitae), Labcorp); PubMed 19020799 (cited by Labcorp Genetics (formerly Invitae), Labcorp); PubMed 19352411 (cited by Labcorp Genetics (formerly Invitae), Labcorp); PubMed 26817465 (cited by Labcorp Genetics (formerly Invitae), Labcorp); PubMed 21407260 (cited by 3billion).

NM_002834.5(PTPN11):c.184T>A (p.Tyr62Asn)

Gene: PTPN11 (protein tyrosine phosphatase non-receptor type 11; plus strand). Cytogenetic location: 12q24.13.
Variant type: single nucleotide variant.
Coding change: c.184T>A on transcript NM_002834.5 (MANE Select); coding-DNA position 184, T replaced by A.
Protein change: p.Tyr62Asn; replaces tyrosine 62 with asparagine.
Molecular consequence: missense variant.
Genome position (GRCh38, 1-based): chr12:112,450,364, T>A. VCF-style: chr12-112450364-T-A. GRCh37 (hg19) VCF-style: chr12-112888168-T-A.
Other names: c.184T>A, p.Tyr62Asn (NM_001330437.2, NM_080601.3); c.181T>A, p.Tyr61Asn (NM_001374625.1); short protein forms Y62N, Y61N.
Identifiers: ClinVar variation 1485945 (VCV001485945.8), dbSNP rs121918460, ClinGen allele CA282076.